The following is an entry in ClinVar:

ClinVar aggregate classification (germline): Uncertain significance. Review status: criteria provided, single submitter (1 of 4 stars). 2 submissions from 2 submitters: Uncertain significance (1). 1 of the submissions does not count toward it. Last evaluated 2026-01-12.

Conditions:
Zellweger spectrum disorders (ZS). Also called: Zellweger Spectrum Disorder; Zellweger Spectrum; Zellweger Spectrum Disorder (ZSD); Zellweger syndrome. Identifiers: Orphanet 912, MedGen C0043459, MONDO:0019609.

Allele frequency attached by ClinVar (database versions not stated): TOPMed below 0.00001; ExAC 0.00001; gnomAD exomes 0.00001 and 0.00002.
gnomAD v4.1: 6 of 1,613,960 alleles (0.00037%); highest among the groups gnomAD compares: Admixed American, 0.0067%; no homozygotes.

Submissions (2):

Labcorp Genetics (formerly Invitae), Labcorp
Classification: Uncertain significance for Zellweger spectrum disorders. Last evaluated: 2026-01-12. Review status: criteria provided, single submitter. Criteria: Invitae Variant Classification Sherloc (09022015). Collection method: clinical testing. Allele origin: germline.
Comment: This sequence change replaces glutamine, which is neutral and polar, with arginine, which is basic and polar, at codon 45 of the PEX1 protein (p.Gln45Arg). This variant is present in population databases (rs758309091, gnomAD 0.009%). This variant has not been reported in the literature in individuals affected with PEX1-related conditions. ClinVar contains an entry for this variant (Variation ID: 1046878). Invitae Evidence Modeling of protein sequence and biophysical properties (such as structural, functional, and spatial information, amino acid conservation, physicochemical variation, residue mobility, and thermodynamic stability) has been performed for this missense variant. However, the output from this modeling did not meet the statistical confidence thresholds required to predict the impact of this variant on PEX1 protein function. In summary, the available evidence is currently insufficient to determine the role of this variant in disease. Therefore, it has been classified as a Variant of Uncertain Significance.

Natera, Inc.
Classification: Uncertain significance for Zellweger syndrome. Last evaluated: 2020-03-11. Review status: no assertion criteria provided. Collection method: clinical testing. Allele origin: germline. Not counted in ClinVar's aggregate classification.

NM_000466.3(PEX1):c.134A>G (p.Gln45Arg)

Gene: PEX1 (peroxisomal biogenesis factor 1; minus strand). Cytogenetic location: 7q21.2.
Variant type: single nucleotide variant.
Coding change: c.134A>G on transcript NM_000466.3 (MANE Select); coding-DNA position 134, A replaced by G.
Protein change: p.Gln45Arg; replaces glutamine 45 with arginine.
Molecular consequence: missense variant. On other transcripts: 5 prime UTR variant (1).
Genome position (GRCh38, 1-based): chr7:92,522,241, T>C on the plus strand (A>G on the coding strand, the complement: PEX1 is on the minus strand). VCF-style: chr7-92522241-T-C. GRCh37 (hg19) VCF-style: chr7-92151555-T-C.
Other names: c.134A>G, p.Gln45Arg (NM_001282677.2); c.-526A>G (NM_001282678.2); short protein forms Q45R.
Identifiers: ClinVar variation 1046878 (VCV001046878.12), dbSNP rs758309091, ClinGen allele CA4341676.
Genomic context (GRCh38, chr7:92,522,241, plus strand): 5'-TGCCTGCCTTCCACCCAGCTCAAGAATGCAGGCTGGTGACTCCAGACCACTTCTATAGCT[T>C]GATTCTATTCATATAAGAAATGAGAGGAAAAAAGGTTTTCGTATACATTTTTCTGGATTC-3'
Protein context (NP_000457.1, residues 35-55): LVAQLHLLQN[Gln45Arg]AIEVVWSHQP